The following is an entry in ClinVar:

ClinVar aggregate classification (germline): Likely benign. Review status: criteria provided, single submitter (1 of 4 stars). 2 submissions from 2 submitters: Likely benign (1). 1 of the submissions does not count toward it. Last evaluated 2025-12-10.

Conditions:
C1S-related disorder. Also called: C1S-related condition.

Allele frequency attached by ClinVar (database versions not stated): gnomAD 0.00001; TOPMed 0.00001; ExAC 0.00002; gnomAD exomes 0.00002 and 0.00005.
gnomAD v4.1: 71 of 1,613,932 alleles (0.0044%); highest among the groups gnomAD compares: Middle Eastern, 0.033%; no homozygotes.

Submissions (2):

Labcorp Genetics (formerly Invitae), Labcorp
Classification: Likely benign. Last evaluated: 2025-12-10. Review status: criteria provided, single submitter. Criteria: Invitae Variant Classification Sherloc (09022015). Collection method: clinical testing. Allele origin: germline.

PreventionGenetics, part of Exact Sciences
Classification: Likely benign for C1S-related condition. Last evaluated: 2019-05-24. Review status: no assertion criteria provided. Collection method: clinical testing. Allele origin: germline. Not counted in ClinVar's aggregate classification.
Comment: This variant is classified as likely benign based on ACMG/AMP sequence variant interpretation guidelines (Richards et al. 2015 PMID: 25741868, with internal and published modifications).

NM_001734.5(C1S):c.921G>A (p.Ala307=)

Gene: C1S (complement C1s; plus strand). Cytogenetic location: 12p13.31.
Variant type: single nucleotide variant.
Coding change: c.921G>A on transcript NM_001734.5 (MANE Select); coding-DNA position 921, G replaced by A.
Protein change: p.Ala307=; no amino-acid change (alanine 307 retained).
Molecular consequence: synonymous variant.
Genome position (GRCh38, 1-based): chr12:7,066,567, G>A. VCF-style: chr12-7066567-G-A. GRCh37 (hg19) VCF-style: chr12-7173871-G-A.
Other names: c.420G>A, p.Ala140= (NM_001346850.2); c.921G>A, p.Ala307= (NM_201442.4); c.921G>A (NM_201442.3).
Identifiers: ClinVar variation 798285 (VCV000798285.10), dbSNP rs782012840, ClinGen allele CA6423620.